The following is an entry in ClinVar:

ClinVar aggregate classification (germline): Benign/Likely benign. Review status: criteria provided, multiple submitters, no conflicts (2 of 4 stars). 4 submissions from 4 submitters: Benign (1); Likely benign (3). Last evaluated 2025-07-14.

Conditions:
Familial adenomatous polyposis 1 (FAP1). Also called: POLYPOSIS, ADENOMATOUS INTESTINAL; FAMILIAL ADENOMATOUS POLYPOSIS 1, ATTENUATED. Identifiers: MedGen C2713442, MONDO:0021056, OMIM 175100. Disease mechanism: loss of function.
Hereditary cancer-predisposing syndrome. Also called: Tumor predisposition; Hereditary Cancer Syndrome; Neoplastic Syndromes, Hereditary; Hereditary neoplastic syndrome. Identifiers: Orphanet 140162, MedGen C0027672, MeSH D009386, MONDO:0015356.

gnomAD v4.1: 1 of 1,614,166 alleles (0.000062%); highest among the groups gnomAD compares: Non-Finnish European, 0.000085%; no homozygotes.

Submissions (4):

Labcorp Genetics (formerly Invitae), Labcorp
Classification: Likely benign for Familial adenomatous polyposis 1. Last evaluated: 2025-07-14. Review status: criteria provided, single submitter. Criteria: Invitae Variant Classification Sherloc (09022015). Collection method: clinical testing. Allele origin: germline.

Myriad Genetics, Inc.
Classification: Benign for Familial adenomatous polyposis 1. Last evaluated: 2024-03-18. Review status: criteria provided, single submitter. Criteria: Myriad Autosomal Dominant, Autosomal Recessive and X-Linked Classification Criteria (2023). Collection method: clinical testing. Allele origin: unknown.
Comment: This variant is considered benign. This variant is a silent/synonymous amino acid change and it is not expected to impact splicing.

Color Diagnostics, LLC DBA Color Health
Classification: Likely benign for Hereditary cancer-predisposing syndrome. Last evaluated: 2021-05-17. Review status: criteria provided, single submitter. Criteria: ACMG Guidelines, 2015. Collection method: clinical testing. Allele origin: germline.

Ambry Genetics
Classification: Likely benign for Hereditary cancer-predisposing syndrome. Last evaluated: 2021-01-22. Review status: criteria provided, single submitter. Criteria: Ambry Variant Classification Scheme 2023. Collection method: clinical testing. Allele origin: germline.

NM_000038.6(APC):c.3219A>C (p.Thr1073=)

Gene: APC (APC regulator of Wnt signaling pathway; plus strand). Cytogenetic location: 5q22.2.
Variant type: single nucleotide variant.
Coding change: c.3219A>C on transcript NM_000038.6 (MANE Select); coding-DNA position 3219, A replaced by C.
Protein change: p.Thr1073=; no amino-acid change (threonine 1073 retained).
Molecular consequence: synonymous variant.
Genome position (GRCh38, 1-based): chr5:112,838,813, A>C. VCF-style: chr5-112838813-A-C. GRCh37 (hg19) VCF-style: chr5-112174510-A-C.
Other names: c.3219A>C, p.Thr1073= (NM_001127510.3, NM_001354895.2); c.3165A>C, p.Thr1055= (NM_001127511.3); c.3273A>C, p.Thr1091= (NM_001354896.2); c.3249A>C, p.Thr1083= (NM_001354897.2); c.3144A>C, p.Thr1048= (NM_001354898.2); c.3135A>C, p.Thr1045= (NM_001354899.2); c.3096A>C, p.Thr1032= (NM_001354900.2); c.3042A>C, p.Thr1014= (NM_001354901.2); and 5 more.
Identifiers: ClinVar variation 1332644 (VCV001332644.12), dbSNP rs2149887167, ClinGen allele CA445963235.